The following is an entry in ClinVar:

ClinVar aggregate classification (germline): Pathogenic/Likely pathogenic. Review status: criteria provided, multiple submitters, no conflicts (2 of 4 stars). 3 submissions from 3 submitters: Pathogenic (2); Likely pathogenic (1). Last evaluated 2025-04-28.

Conditions:
PCNT-related disorder. Also called: PCNT-related condition.
Microcephalic osteodysplastic primordial dwarfism type II (MOPD2). Also called: Microcephalic osteodysplastic primordial dwarfism with tooth abnormalities; MOPD II; OSTEODYSPLASTIC PRIMORDIAL DWARFISM, TYPE II. Identifiers: Orphanet 2637, MedGen C0432246, MONDO:0008872, OMIM 210720.

Allele frequency attached by ClinVar (database versions not stated): gnomAD exomes 0.00001; ExAC 0.00002.

Submissions (3):

PreventionGenetics, part of Exact Sciences
Classification: Likely pathogenic for PCNT-related condition. Last evaluated: 2025-04-28. Review status: criteria provided, single submitter. Criteria: ACMG Guidelines, 2015. Collection method: clinical testing. Allele origin: germline.
Comment: The PCNT c.8868dupT variant is predicted to result in a frameshift and premature protein termination (p.Ala2957Cysfs*46). To our knowledge, this variant has not been reported in the literature. This variant is reported in 0.0087% of alleles in individuals of Latino descent in gnomAD. Frameshift variants in PCNT are expected to be pathogenic. This variant is interpreted as likely pathogenic.

Labcorp Genetics (formerly Invitae), Labcorp
Classification: Pathogenic. Last evaluated: 2023-11-24. Review status: criteria provided, single submitter. Criteria: Invitae Variant Classification Sherloc (09022015). Collection method: clinical testing. Allele origin: germline.
Comment: This sequence change creates a premature translational stop signal (p.Ala2957Cysfs*46) in the PCNT gene. It is expected to result in an absent or disrupted protein product. Loss-of-function variants in PCNT are known to be pathogenic (PMID: 18174396, 22821869). This variant is present in population databases (rs772244623, gnomAD 0.009%). This variant has not been reported in the literature in individuals affected with PCNT-related conditions. ClinVar contains an entry for this variant (Variation ID: 159677). For these reasons, this variant has been classified as Pathogenic.

Genetic Services Laboratory, University of Chicago
Classification: Pathogenic for Microcephalic osteodysplastic primordial dwarfism, type II. Last evaluated: 2014-04-28. Review status: criteria provided, single submitter. Criteria: ACMG Guidelines, 2007. Collection method: clinical testing. Allele origin: germline. Inheritance: Autosomal recessive inheritance. Affected: yes.

Literature cited by the submitters: PubMed 18174396 (cited by Labcorp Genetics (formerly Invitae), Labcorp); PubMed 22821869 (cited by Labcorp Genetics (formerly Invitae), Labcorp).

NM_006031.6(PCNT):c.8868dup (p.Ala2957fs)

Gene: PCNT (pericentrin; plus strand). Cytogenetic location: 21q22.3.
Variant type: Duplication.
Coding change: c.8868dup on transcript NM_006031.6 (MANE Select); coding-DNA position 8868, one base duplicated (T; older notation c.8868dupT).
Protein change: p.Ala2957fs; shifts the reading frame from alanine 2957.
Molecular consequence: frameshift variant.
Genome position (GRCh38, 1-based): chr21:46,436,020, T duplicated. VCF-style (leftmost placement, unchanged base first): chr21-46436019-C-CT. GRCh37 (hg19) VCF-style: chr21-47855932-C-CT.
Other names: c.8277dup, p.Ala2760fs (NM_001315529.2); c.8868dupT (NM_006031.5); short protein forms A2957fs, A2760fs.
Identifiers: ClinVar variation 159677 (VCV000159677.11), dbSNP rs587784320, ClinGen allele CA251117.